The following is an entry in ClinVar:

NM_000256.3(MYBPC3):c.641A>G (p.Asp214Gly)

Gene: MYBPC3 (myosin binding protein C3; minus strand). Cytogenetic location: 11p11.2.
Variant type: single nucleotide variant.
Coding change: c.641A>G on transcript NM_000256.3 (MANE Select); coding-DNA position 641, A replaced by G.
Protein change: p.Asp214Gly; replaces aspartic acid 214 with glycine.
Molecular consequence: missense variant.
Genome position (GRCh38, 1-based): chr11:47,349,787, T>C on the plus strand (A>G on the coding strand, the complement: MYBPC3 is on the minus strand). VCF-style: chr11-47349787-T-C. GRCh37 (hg19) VCF-style: chr11-47371338-T-C.
Other names: short protein forms D214G.
Identifiers: ClinVar variation 4766331 (VCV004766331.1).

ClinVar aggregate classification (germline): Uncertain significance (1 of 4 stars; one submission).

Conditions:
Hypertrophic cardiomyopathy. Also called: HYPERTROPHIC MYOCARDIOPATHY. Identifiers: Orphanet 217569, MedGen C0007194, MeSH D002312, MONDO:0005045, HP:0001639.

gnomAD v4.1: 2 of 1,606,520 alleles (0.00012%); highest among the groups gnomAD compares: Non-Finnish European, 0.00017%; no homozygotes.

Submission:

Labcorp Genetics (formerly Invitae), Labcorp
Classification: Uncertain significance for Hypertrophic cardiomyopathy. Last evaluated: 2026-01-24. Review status: criteria provided, single submitter. Criteria: Invitae Variant Classification Sherloc (09022015). Collection method: clinical testing. Allele origin: germline.
Comment: This sequence change replaces aspartic acid, which is acidic and polar, with glycine, which is neutral and non-polar, at codon 214 of the MYBPC3 protein (p.Asp214Gly). This variant is not present in population databases (gnomAD no frequency). This variant has not been reported in the literature in individuals affected with MYBPC3-related conditions. An algorithm developed to predict the effect of missense changes on protein structure and function (PolyPhen-2) suggests that this variant is likely to be disruptive. In summary, the available evidence is currently insufficient to determine the role of this variant in disease. Therefore, it has been classified as a Variant of Uncertain Significance.